The following is an entry in ClinVar:

NM_001378328.1(CELSR1):c.80G>C (p.Arg27Pro)

Gene: CELSR1 (cadherin EGF LAG seven-pass G-type receptor 1; minus strand). Cytogenetic location: 22q13.31.
Variant type: single nucleotide variant.
Coding change: c.80G>C on transcript NM_001378328.1 (MANE Select); coding-DNA position 80, G replaced by C.
Protein change: p.Arg27Pro; replaces arginine 27 with proline.
Molecular consequence: missense variant.
Genome position (GRCh38, 1-based): chr22:46,537,091, C>G on the plus strand (G>C on the coding strand, the complement: CELSR1 is on the minus strand). VCF-style: chr22-46537091-C-G. GRCh37 (hg19) VCF-style: chr22-46932988-C-G.
Other names: c.80G>C, p.Arg27Pro (NM_014246.4); short protein forms R27P.
Identifiers: ClinVar variation 421837 (VCV000421837.2), dbSNP rs1064795393, ClinGen allele CA16621133.

ClinVar aggregate classification (germline): Uncertain significance (1 of 4 stars; one submission).

Submission:

GeneDx
Classification: Uncertain significance. Last evaluated: 2016-08-08. Review status: criteria provided, single submitter. Criteria: GeneDx Variant Classification (06012015). Collection method: clinical testing. Allele origin: germline. Affected: yes.
Comment: The R27P variant in the CELSR1 gene has not been reported previously as a pathogenic variant, nor as a benign variant, to our knowledge. Sufficient data from control individuals in the NHLBI Exome Sequencing Project and Exome Aggregation Consortium data sets were not available to assess whether the R27P variant may be a common benign variant in the general population; however, this variant has not been detected previously in the internal database at GeneDx. The R27P variant is a non-conservative amino acid substitution, which is likely to impact secondary protein structure as these residues differ in polarity, charge, size and/or other properties. However, this substitution occurs at a position that is not conserved, and in silico analysis is inconsistent in its predictions as to whether or not the variant is damaging to the protein structure/function. Therefore, we interpret R27P as a variant of uncertain significance